The following is an entry in ClinVar:

NM_002354.3(EPCAM):c.280C>T (p.Leu94Phe)

Gene: EPCAM (epithelial cell adhesion molecule; plus strand). Cytogenetic location: 2p21.
Variant type: single nucleotide variant.
Coding change: c.280C>T on transcript NM_002354.3 (MANE Select); coding-DNA position 280, C replaced by T.
Protein change: p.Leu94Phe; replaces leucine 94 with phenylalanine.
Molecular consequence: missense variant.
Genome position (GRCh38, 1-based): chr2:47,373,903, C>T. VCF-style: chr2-47373903-C-T. GRCh37 (hg19) VCF-style: chr2-47601042-C-T.
Other names: short protein forms L94F.
Identifiers: ClinVar variation 2566631 (VCV002566631.2), dbSNP rs2465457044, ClinGen allele CA346723039.

ClinVar aggregate classification (germline): Uncertain significance (1 of 4 stars; one submission).

Conditions:
Hereditary cancer-predisposing syndrome. Also called: Hereditary neoplastic syndrome; Hereditary Cancer Syndrome; Neoplastic Syndromes, Hereditary; Tumor predisposition. Identifiers: Orphanet 140162, MedGen C0027672, MeSH D009386, MONDO:0015356.

Allele frequency attached by ClinVar (database versions not stated): gnomAD exomes below 0.00001.

Submission:

Ambry Genetics
Classification: Uncertain significance for Hereditary cancer-predisposing syndrome. Last evaluated: 2023-04-16. Review status: criteria provided, single submitter. Criteria: Ambry Variant Classification Scheme 2023. Collection method: clinical testing. Allele origin: germline.
Comment: The p.L94F variant (also known as c.280C>T), located in coding exon 3 of the EPCAM gene, results from a C to T substitution at nucleotide position 280. The leucine at codon 94 is replaced by phenylalanine, an amino acid with highly similar properties. This amino acid position is conserved. In addition, this alteration is predicted to be tolerated by in silico analysis. Since supporting evidence is limited at this time, the clinical significance of this alteration remains unclear.